The following is an entry in ClinVar:

NM_001378418.1(TCF20):c.5757G>T (p.Leu1919Phe)

Gene: TCF20 (transcription factor 20; minus strand). Cytogenetic location: 22q13.2.
Variant type: single nucleotide variant.
Coding change: c.5757G>T on transcript NM_001378418.1 (MANE Select); coding-DNA position 5757, G replaced by T.
Protein change: p.Leu1919Phe; replaces leucine 1919 with phenylalanine.
Molecular consequence: missense variant.
Genome position (GRCh38, 1-based): chr22:42,169,889, C>A on the plus strand (G>T on the coding strand, the complement: TCF20 is on the minus strand). VCF-style: chr22-42169889-C-A. GRCh37 (hg19) VCF-style: chr22-42565895-C-A.
Other names: c.5757G>T, p.Leu1919Phe (NM_005650.4, NM_181492.3); short protein forms L1919F.
Identifiers: ClinVar variation 985351 (VCV000985351.5), dbSNP rs371117943, ClinGen allele CA10266376.
Genomic context (GRCh38, chr22:42,169,889, plus strand): 5'-TTGGGGCCTCTGACTCACCTTGTGCTTAGGGCACCTCACCGAGAAGTTCTCCTCATGTAG[C>A]AAACAATCTGGAAGACAGAAGGGGACAGTCAGATGGAGACTTCACAGCTGGACATAGGTG-3'
Protein context (NP_001365347.1, residues 1909-1929): HYPCAIDADC[Leu1919Phe]LHEENFSVRC

ClinVar aggregate classification (germline): Uncertain significance. Review status: criteria provided, multiple submitters, no conflicts (2 of 4 stars). 2 submissions from 2 submitters: Uncertain significance (2). Last evaluated 2024-08-28.

Conditions:
Inborn genetic diseases. Identifiers: MedGen C0950123, MeSH D030342.

Allele frequency attached by ClinVar (database versions not stated): gnomAD exomes below 0.00001 and 0.00001; ExAC 0.00002; gnomAD 0.00003; TOPMed 0.00006; ESP Exome Variant Server 0.00008.
gnomAD v4.1: 7 of 1,613,320 alleles (0.00043%); highest among the groups gnomAD compares: African/African-American, 0.0094%; no homozygotes.

Submissions (2):

Labcorp Genetics (formerly Invitae), Labcorp
Classification: Uncertain significance. Last evaluated: 2024-08-28. Review status: criteria provided, single submitter. Criteria: Invitae Variant Classification Sherloc (09022015). Collection method: clinical testing. Allele origin: germline.
Comment: This sequence change replaces leucine, which is neutral and non-polar, with phenylalanine, which is neutral and non-polar, at codon 1919 of the TCF20 protein (p.Leu1919Phe). This variant is present in population databases (rs371117943, gnomAD 0.01%). This variant has not been reported in the literature in individuals affected with TCF20-related conditions. ClinVar contains an entry for this variant (Variation ID: 985351). An algorithm developed to predict the effect of missense changes on protein structure and function (PolyPhen-2) suggests that this variant is likely to be tolerated. In summary, the available evidence is currently insufficient to determine the role of this variant in disease. Therefore, it has been classified as a Variant of Uncertain Significance.

Ambry Genetics
Classification: Uncertain significance for Inborn genetic diseases. Last evaluated: 2024-02-29. Review status: criteria provided, single submitter. Criteria: Ambry Variant Classification Scheme 2023. Collection method: clinical testing. Allele origin: germline.
Comment: The alteration results in an amino acid change:_x000D_ _x000D_ The c.5757G>T (p.L1919F) alteration is located in coding exon 3 of the TCF20 gene. This alteration results from a G to T substitution at nucleotide position 5757, causing the leucine (L) at amino acid position 1919 to be replaced by a phenylalanine (F). The alteration has been observed in population databases: _x000D_ _x000D_ Based on data from the Genome Aggregation Database (gnomAD), the c.5757G>T alteration was observed in 0.001% (3/282340) of total alleles studied, with a frequency of 0.01% (3/24950) in the African subpopulation. The altered amino acid is conserved throughout evolution:_x000D_ _x000D_ The p.L1919 amino acid is conserved in available vertebrate species. The alteration is predicted deleterious by in silico models:_x000D_ _x000D_ The p.L1919F alteration is predicted to be probably damaging by Polyphen and deleterious by SIFT in silico analyses. Based on insufficient or conflicting evidence, the clinical significance of this alteration remains unclear.